The following is an entry in ClinVar:

NM_000057.4(BLM):c.1100G>A (p.Ser367Asn)

Gene: BLM (BLM RecQ like helicase; plus strand). Cytogenetic location: 15q26.1.
Variant type: single nucleotide variant.
Coding change: c.1100G>A on transcript NM_000057.4 (MANE Select); coding-DNA position 1100, G replaced by A.
Protein change: p.Ser367Asn; replaces serine 367 with asparagine.
Molecular consequence: missense variant. On other transcripts: 5 prime UTR variant (1).
Genome position (GRCh38, 1-based): chr15:90,760,159, G>A. VCF-style: chr15-90760159-G-A. GRCh37 (hg19) VCF-style: chr15-91303389-G-A.
Other names: c.1100G>A (LRG_20t1); c.1100G>A, p.Ser367Asn (NM_001287246.2, NM_001287247.2); c.-26G>A (NM_001287248.2); short protein forms S367N.
Identifiers: ClinVar variation 485350 (VCV000485350.12), dbSNP rs772176483, ClinGen allele CA7738464.

ClinVar aggregate classification (germline): Conflicting classifications of pathogenicity. Review status: criteria provided, conflicting classifications (1 of 4 stars). 3 submissions from 3 submitters: Uncertain significance (1); Benign (1); Likely benign (1). Last evaluated 2025-12-28.

Conditions:
Hereditary cancer-predisposing syndrome. Also called: Neoplastic Syndromes, Hereditary; Tumor predisposition; Hereditary Cancer Syndrome; Hereditary neoplastic syndrome. Identifiers: Orphanet 140162, MedGen C0027672, MeSH D009386, MONDO:0015356.
Bloom syndrome (BLM). Also called: Bloom-Torre-Machacek syndrome. Identifiers: Orphanet 125, MedGen C0005859, MONDO:0008876, OMIM 210900.
Ovarian cancer. Also called: OVARIAN CANCER, SOMATIC. Identifiers: Orphanet 213500, MedGen C1140680, MONDO:0008170, OMIM 167000.

Allele frequency attached by ClinVar (database versions not stated): gnomAD exomes 0.00001 and 0.00003; ExAC 0.00003.
gnomAD v4.1: 6 of 1,610,578 alleles (0.00037%); highest among the groups gnomAD compares: East Asian, 0.013%; no homozygotes.

Submissions (3):

Labcorp Genetics (formerly Invitae), Labcorp
Classification: Uncertain significance for Bloom syndrome. Last evaluated: 2025-12-28. Review status: criteria provided, single submitter. Criteria: Invitae Variant Classification Sherloc (09022015). Collection method: clinical testing. Allele origin: germline.
Comment: This sequence change replaces serine, which is neutral and polar, with asparagine, which is neutral and polar, at codon 367 of the BLM protein (p.Ser367Asn). This variant is present in population databases (rs772176483, gnomAD 0.05%). This variant has not been reported in the literature in individuals affected with BLM-related conditions. ClinVar contains an entry for this variant (Variation ID: 485350). Invitae Evidence Modeling of protein sequence and biophysical properties (such as structural, functional, and spatial information, amino acid conservation, physicochemical variation, residue mobility, and thermodynamic stability) indicates that this missense variant is not expected to disrupt BLM protein function with a negative predictive value of 80%. In summary, the available evidence is currently insufficient to determine the role of this variant in disease. Therefore, it has been classified as a Variant of Uncertain Significance.

Ambry Genetics
Classification: Likely benign for Hereditary cancer-predisposing syndrome. Last evaluated: 2023-10-17. Review status: criteria provided, single submitter. Criteria: Ambry Variant Classification Scheme 2023. Collection method: clinical testing. Allele origin: germline.

Laboratory of Molecular Epidemiology of Birth Defects, West China Second University Hospital, Sichuan University
Classification: Benign for Ovarian cancer. Last evaluated: 2022-01-01. Review status: criteria provided, single submitter. Criteria: ACMG Guidelines, 2015. Collection method: clinical testing. Allele origin: germline. Affected: yes.